The following is an entry in ClinVar:

ClinVar aggregate classification (germline): Uncertain significance (1 of 4 stars; one submission).

Submission:

Labcorp Genetics (formerly Invitae), Labcorp
Classification: Uncertain significance. Last evaluated: 2024-11-13. Review status: criteria provided, single submitter. Criteria: Invitae Variant Classification Sherloc (09022015). Collection method: clinical testing. Allele origin: germline.
Comment: This sequence change replaces alanine, which is neutral and non-polar, with valine, which is neutral and non-polar, at codon 337 of the EMC1 protein (p.Ala337Val). This variant is not present in population databases (gnomAD no frequency). This variant has not been reported in the literature in individuals affected with EMC1-related conditions. Invitae Evidence Modeling of protein sequence and biophysical properties (such as structural, functional, and spatial information, amino acid conservation, physicochemical variation, residue mobility, and thermodynamic stability) indicates that this missense variant is not expected to disrupt EMC1 protein function with a negative predictive value of 80%. In summary, the available evidence is currently insufficient to determine the role of this variant in disease. Therefore, it has been classified as a Variant of Uncertain Significance.

NM_015047.3(EMC1):c.1010C>T (p.Ala337Val)

Genes: EMC1 (ER membrane protein complex subunit 1; minus strand), EMC1-AS1 (EMC1 antisense RNA 1; plus strand). Cytogenetic location: 1p36.13.
Variant type: single nucleotide variant.
Coding change: c.1010C>T on transcript NM_015047.3 (MANE Select); coding-DNA position 1010, C replaced by T.
Protein change: p.Ala337Val; replaces alanine 337 with valine.
Molecular consequence: missense variant.
Genome position (GRCh38, 1-based): chr1:19,239,247, G>A on the plus strand (C>T on the coding strand, the complement: EMC1 is on the minus strand). VCF-style: chr1-19239247-G-A. GRCh37 (hg19) VCF-style: chr1-19565741-G-A.
Other names: c.1010C>T, p.Ala337Val (NM_001271427.2, NM_001271428.2, NM_001375820.1 and 1 more transcripts); c.944C>T, p.Ala315Val (NM_001271429.2); short protein forms A315V, A337V.
Identifiers: ClinVar variation 3694784 (VCV003694784.2).